The following is an entry in ClinVar:

NM_000548.5(TSC2):c.453A>G (p.Arg151=)

Gene: TSC2 (TSC complex subunit 2; plus strand). Cytogenetic location: 16p13.3.
Variant type: single nucleotide variant.
Coding change: c.453A>G on transcript NM_000548.5 (MANE Select); coding-DNA position 453, A replaced by G.
Protein change: p.Arg151=; no amino-acid change (arginine 151 retained).
Molecular consequence: synonymous variant. On other transcripts: intron variant (1).
Genome position (GRCh38, 1-based): chr16:2,054,412, A>G. VCF-style: chr16-2054412-A-G. GRCh37 (hg19) VCF-style: chr16-2104413-A-G.
Other names: c.453A>G, p.Arg151= (NM_001077183.3, NM_001114382.3, NM_001363528.2 and 3 more transcripts); c.342A>G, p.Arg114= (NM_001318827.2); c.306A>G, p.Arg102= (NM_001318829.2); c.486A>G, p.Arg162= (NM_001318832.2); c.-1-1784A>G (NM_001318831.2); c.453A>G (NM_000548.3).
Identifiers: ClinVar variation 1119502 (VCV001119502.11), dbSNP rs2151043990, ClinGen allele CA492955696.

ClinVar aggregate classification (germline): Benign/Likely benign. Review status: criteria provided, multiple submitters, no conflicts (2 of 4 stars). 3 submissions from 3 submitters: Benign (1); Likely benign (2). Last evaluated 2025-05-05.

Conditions:
Hereditary cancer-predisposing syndrome. Also called: Neoplastic Syndromes, Hereditary; Hereditary Cancer Syndrome; Hereditary neoplastic syndrome; Tumor predisposition. Identifiers: Orphanet 140162, MedGen C0027672, MeSH D009386, MONDO:0015356.
Tuberous sclerosis 2 (TSC2). Identifiers: Orphanet 805, MedGen C1860707, MONDO:0013199, OMIM 613254.

Submissions (3):

Myriad Genetics, Inc.
Classification: Benign for Tuberous sclerosis 2. Last evaluated: 2025-05-05. Review status: criteria provided, single submitter. Criteria: Myriad Autosomal Dominant, Autosomal Recessive and X-Linked Classification Criteria (2023). Collection method: clinical testing. Allele origin: unknown.
Comment: This variant is considered benign. This variant is a silent/synonymous amino acid change and it is not expected to impact splicing.

Ambry Genetics
Classification: Likely benign for Hereditary cancer-predisposing syndrome. Last evaluated: 2024-02-28. Review status: criteria provided, single submitter. Criteria: Ambry Variant Classification Scheme 2023. Collection method: clinical testing. Allele origin: germline.

Labcorp Genetics (formerly Invitae), Labcorp
Classification: Likely benign for Tuberous sclerosis 2. Last evaluated: 2022-04-16. Review status: criteria provided, single submitter. Criteria: Invitae Variant Classification Sherloc (09022015). Collection method: clinical testing. Allele origin: germline.